The following is an entry in ClinVar:

NM_000551.4(VHL):c.510C>G (p.Val170=)

Genes: VHL (von Hippel-Lindau tumor suppressor; plus strand), LOC107303340 (3p25 von Hippel-Lindau tumor suppressor, E3 ubiquitin protein ligase Alu-mediated recombination region; plus strand). Cytogenetic location: 3p25.3.
Variant type: single nucleotide variant.
Coding change: c.510C>G on transcript NM_000551.4 (MANE Select); coding-DNA position 510, C replaced by G.
Protein change: p.Val170=; no amino-acid change (valine 170 retained).
Molecular consequence: synonymous variant. On other transcripts: 3 prime UTR variant (1), non-coding transcript variant (1).
Genome position (GRCh38, 1-based): chr3:10,149,833, C>G. VCF-style: chr3-10149833-C-G. GRCh37 (hg19) VCF-style: chr3-10191517-C-G.
Other names: c.*64C>G (NM_001354723.2); c.387C>G, p.Val129= (NM_198156.3).
Identifiers: ClinVar variation 2939192 (VCV002939192.4), dbSNP rs765224880, ClinGen allele CA432423343.

ClinVar aggregate classification (germline): Likely benign. Review status: criteria provided, multiple submitters, no conflicts (2 of 4 stars). 2 submissions from 2 submitters: Likely benign (2). Last evaluated 2024-12-08.

Conditions:
Von Hippel-Lindau syndrome (VHLS). Also called: von Hippel–Lindau syndrome; VHL syndrome; Von Hippel-Lindau. Identifiers: Orphanet 892, MedGen C0019562, MONDO:0008667, OMIM 193300. Disease mechanism: loss of function.
Chuvash polycythemia. Also called: POLYCYTHEMIA, VHL-DEPENDENT. Identifiers: Orphanet 238557, MedGen C1837915, MONDO:0009892, OMIM 263400.

gnomAD v4.1: 1 of 1,614,154 alleles (0.000062%); highest among the groups gnomAD compares: Non-Finnish European, 0.000085%; no homozygotes.

Submissions (2):

Labcorp Genetics (formerly Invitae), Labcorp
Classification: Likely benign for Von Hippel-Lindau syndrome; Chuvash polycythemia. Last evaluated: 2024-12-08. Review status: criteria provided, single submitter. Criteria: Invitae Variant Classification Sherloc (09022015). Collection method: clinical testing. Allele origin: germline.

All of Us Research Program, National Institutes of Health
Classification: Likely benign for Von Hippel-Lindau syndrome. Last evaluated: 2024-05-30. Review status: criteria provided, single submitter. Criteria: ACMG Guidelines, 2015. Collection method: clinical testing. Allele origin: germline. Inheritance: Autosomal dominant inheritance. Observed: 1 variant allele, 1 heterozygote.
Comment: This study involves interpretation of variants in research participants for the purpose of population health screening. Participant phenotype was not available at the time of variant classification. Additional details can be found in publication PMID: 35346344, PMCID: PMC8962531